The following is an entry in ClinVar:

ClinVar aggregate classification (germline): Pathogenic (1 of 4 stars; one submission).

Submission:

Labcorp Genetics (formerly Invitae), Labcorp
Classification: Pathogenic. Last evaluated: 2022-07-09. Review status: criteria provided, single submitter. Criteria: Invitae Variant Classification Sherloc (09022015). Collection method: clinical testing. Allele origin: germline.
Comment: For these reasons, this variant has been classified as Pathogenic. This variant has not been reported in the literature in individuals affected with CACNA1F-related conditions. This variant is not present in population databases (gnomAD no frequency). This sequence change creates a premature translational stop signal (p.Leu234Glufs*67) in the CACNA1F gene. It is expected to result in an absent or disrupted protein product. Loss-of-function variants in CACNA1F are known to be pathogenic (PMID: 9662399, 11281458, 17525176, 22194652, 24124559, 26992781).

Literature cited by the submitters: PubMed 9662399; PubMed 11281458; PubMed 17525176; PubMed 22194652; PubMed 24124559; PubMed 26992781.

NM_001256789.3(CACNA1F):c.693_699dup (p.Leu234fs)

Gene: CACNA1F (calcium voltage-gated channel subunit alpha1 F; minus strand). Cytogenetic location: Xp11.23.
Variant type: Duplication.
Coding change: c.693_699dup on transcript NM_001256789.3 (MANE Select); coding-DNA positions 693 to 699, 7 bases duplicated (GAAGGCT; older notation c.693_699dupGAAGGCT).
Protein change: p.Leu234fs; shifts the reading frame from leucine 234.
Molecular consequence: frameshift variant.
Genome position (GRCh38, 1-based): chrX:49,230,338-49,230,344, AGCCTTC duplicated on the plus strand (GAAGGCT on the coding strand, the reverse complement: CACNA1F is on the minus strand); duplicating any 7 consecutive bases within chrX:49,230,338-49,230,345 gives the same sequence; the c. name uses the placement nearest the transcript's 3' end. VCF-style (leftmost placement, unchanged base first): chrX-49230337-G-GAGCCTTC. GRCh37 (hg19) VCF-style: chrX-49086799-G-GAGCCTTC.
Other names: c.498_504dup, p.Leu169fs (NM_001256790.3); c.693_699dup, p.Leu234fs (NM_005183.4); short protein forms L234fs, L169fs.
Identifiers: ClinVar variation 2015474 (VCV002015474.4), dbSNP rs2519137163, ClinGen allele CA2580101119.